The following is an entry in ClinVar:

ClinVar aggregate classification (germline): Uncertain significance (1 of 4 stars; one submission).

Conditions:
Werner syndrome (WRN). Identifiers: Orphanet 902, MedGen C0043119, MONDO:0010196, OMIM 277700.

Submission:

Labcorp Genetics (formerly Invitae), Labcorp
Classification: Uncertain significance for Werner syndrome. Last evaluated: 2021-12-23. Review status: criteria provided, single submitter. Criteria: Invitae Variant Classification Sherloc (09022015). Collection method: clinical testing. Allele origin: germline.
Comment: This sequence change replaces aspartic acid, which is acidic and polar, with valine, which is neutral and non-polar, at codon 82 of the WRN protein (p.Asp82Val). This variant is not present in population databases (gnomAD no frequency). This variant has not been reported in the literature in individuals affected with WRN-related conditions. Algorithms developed to predict the effect of missense changes on protein structure and function are either unavailable or do not agree on the potential impact of this missense change (SIFT: "Not Available"; PolyPhen-2: "Probably Damaging"; Align-GVGD: "Not Available"). In summary, the available evidence is currently insufficient to determine the role of this variant in disease. Therefore, it has been classified as a Variant of Uncertain Significance.

NM_000553.6(WRN):c.245A>T (p.Asp82Val)

Gene: WRN (WRN RecQ like helicase; plus strand). Cytogenetic location: 8p12.
Variant type: single nucleotide variant.
Coding change: c.245A>T on transcript NM_000553.6 (MANE Select); coding-DNA position 245, A replaced by T.
Protein change: p.Asp82Val; replaces aspartic acid 82 with valine.
Molecular consequence: missense variant.
Genome position (GRCh38, 1-based): chr8:31,064,324, A>T. VCF-style: chr8-31064324-A-T. GRCh37 (hg19) VCF-style: chr8-30921840-A-T.
Other names: short protein forms D82V.
Identifiers: ClinVar variation 2055189 (VCV002055189.4), dbSNP rs2130032172, ClinGen allele CA370913979.